The following is an entry in ClinVar:

ClinVar aggregate classification (germline): Uncertain significance. Review status: criteria provided, multiple submitters, no conflicts (2 of 4 stars). 2 submissions from 2 submitters: Uncertain significance (2). Last evaluated 2024-01-15.

Conditions:
Developmental and epileptic encephalopathy, 67. Also called: EPILEPTIC ENCEPHALOPATHY, EARLY INFANTILE, 67. Identifiers: MedGen C4748341, MONDO:0029138, OMIM 618141.

Allele frequency attached by ClinVar (database versions not stated): gnomAD 0.00001; gnomAD exomes 0.00001; TOPMed 0.00002.
gnomAD v4.1: 6 of 1,588,500 alleles (0.00038%); highest among the groups gnomAD compares: Admixed American, 0.0034%; no homozygotes.

Submissions (2):

Fulgent Genetics
Classification: Uncertain significance for Developmental and epileptic encephalopathy, 67. Last evaluated: 2024-01-15. Review status: criteria provided, single submitter. Criteria: ACMG Guidelines, 2015. Collection method: clinical testing. Allele origin: germline.

Women's Health and Genetics/Laboratory Corporation of America, LabCorp
Classification: Uncertain significance. Last evaluated: 2019-09-03. Review status: criteria provided, single submitter. Criteria: LabCorp Variant Classification Summary - May 2015. Collection method: clinical testing. Allele origin: germline.
Comment: Variant summary: CUX2 c.2708G>A (p.Arg903His) results in a non-conservative amino acid change located in the second CUT domain (IPR003350) of the encoded protein sequence. Four of five in-silico tools predict a damaging effect of the variant on protein function. The variant allele was found at a frequency of 9.1e-06 in 220910 control chromosomes (gnomAD). The available data on variant occurrences in the general population are insufficient to allow any conclusion about variant significance. To our knowledge, no occurrence of c.2708G>A in individuals affected with Autosomal Dominant Early Infantile Epileptic Encephalopathy and no experimental evidence demonstrating its impact on protein function have been reported. No submitters have provided clinical-significance assessments for this variant to ClinVar after 2014. Based on the evidence outlined above, the variant was classified as uncertain significance.

NM_015267.4(CUX2):c.2708G>A (p.Arg903His)

Gene: CUX2 (cut like homeobox 2; plus strand). Cytogenetic location: 12q24.12.
Variant type: single nucleotide variant.
Coding change: c.2708G>A on transcript NM_015267.4 (MANE Select); coding-DNA position 2708, G replaced by A.
Protein change: p.Arg903His; replaces arginine 903 with histidine.
Molecular consequence: missense variant.
Genome position (GRCh38, 1-based): chr12:111,320,717, G>A. VCF-style: chr12-111320717-G-A. GRCh37 (hg19) VCF-style: chr12-111758521-G-A.
Other names: c.2522G>A, p.Arg841His (NM_001370598.1); short protein forms R841H, R903H.
Identifiers: ClinVar variation 928547 (VCV000928547.2), dbSNP rs1376326529, ClinGen allele CA386714156.